The following is an entry in ClinVar:

GRCh38/hg38 8q21.11(chr8:72684692-72723399)x3

Gene: KCNB2 (potassium voltage-gated channel subfamily B member 2; plus strand). Cytogenetic location: 8q21.11.
Variant type: copy number gain.
Change: copy number 3 (three copies instead of two) of chr8:72,684,692-72,723,399 (38.7 kb, GRCh38 coordinates, 1-based), cytogenetic band 8q21.11.
Identifiers: ClinVar variation 145672 (VCV000145672.1).

ClinVar aggregate classification (germline): Benign/Likely benign (0 of 4 stars; one submission).

Submission:

GeneDx
Classification: Benign/Likely benign. Last evaluated: 2011-04-30. Review status: no assertion criteria provided. Collection method: clinical testing. Allele origin: not provided. Affected: yes. Observed: 5 variant alleles. Clinical features observed: Developmental delay AND/OR other significant developmental or morphological phenotypes.
Comment: Likely benign (1), Benign (4)